The following is an entry in ClinVar:

NM_000531.6(OTC):c.1039C>T (p.Pro347Ser)

Gene: OTC (ornithine transcarbamylase; plus strand). Cytogenetic location: Xp11.4.
Variant type: single nucleotide variant.
Coding change: c.1039C>T on transcript NM_000531.6 (MANE Select); coding-DNA position 1039, C replaced by T.
Protein change: p.Pro347Ser; replaces proline 347 with serine.
Molecular consequence: missense variant.
Genome position (GRCh38, 1-based): chrX:38,421,056, C>T. VCF-style: chrX-38421056-C-T. GRCh37 (hg19) VCF-style: chrX-38280309-C-T.
Other names: c.1039C>T, p.Pro347Ser (NM_001407092.1); short protein forms P347S.
Identifiers: ClinVar variation 2138547 (VCV002138547.4), dbSNP rs72558493, ClinGen allele CA412728069.

ClinVar aggregate classification (germline): Pathogenic (1 of 4 stars; one submission).

Conditions:
Ornithine carbamoyltransferase deficiency (OTCD). Also called: OTC DEFICIENCY; ORNITHINE TRANSCARBAMYLASE DEFICIENCY; ORNITHINE TRANSCARBAMYLASE DEFICIENCY, HYPERAMMONEMIA DUE TO; Ornithine Carbamoyltransferase Deficiency Disease. Identifiers: Orphanet 664, MedGen C0268542, MONDO:0010703, OMIM 311250.

Submission:

Labcorp Genetics (formerly Invitae), Labcorp
Classification: Pathogenic for Ornithine carbamoyltransferase deficiency. Last evaluated: 2023-07-17. Review status: criteria provided, single submitter. Criteria: Invitae Variant Classification Sherloc (09022015). Collection method: clinical testing. Allele origin: germline.
Comment: Advanced modeling of protein sequence and biophysical properties (such as structural, functional, and spatial information, amino acid conservation, physicochemical variation, residue mobility, and thermodynamic stability) performed at Invitae indicates that this missense variant is expected to disrupt OTC protein function. ClinVar contains an entry for this variant (Variation ID: 2138547). This missense change has been observed in individuals with OTC deficiency (PMID: 26059767; Invitae). This variant is not present in population databases (gnomAD no frequency). This sequence change replaces proline, which is neutral and non-polar, with serine, which is neutral and polar, at codon 347 of the OTC protein (p.Pro347Ser). This variant disrupts the p.Pro347 amino acid residue in OTC. Other variant(s) that disrupt this residue have been observed in individuals with OTC-related conditions (PMID: 16786505, 26059767), which suggests that this may be a clinically significant amino acid residue. For these reasons, this variant has been classified as Pathogenic.

Literature cited by the submitters: PubMed 26059767; PubMed 16786505.